The following is an entry in ClinVar:

NM_004937.3(CTNS):c.615C>A (p.Asp205Glu)

Genes: CTNS (cystinosin, lysosomal cystine transporter; plus strand), CTNS-AS1 (CTNS antisense RNA 1; minus strand). Cytogenetic location: 17p13.2.
Variant type: single nucleotide variant.
Coding change: c.615C>A on transcript NM_004937.3 (MANE Select); coding-DNA position 615, C replaced by A.
Protein change: p.Asp205Glu; replaces aspartic acid 205 with glutamic acid.
Molecular consequence: missense variant.
Genome position (GRCh38, 1-based): chr17:3,656,729, C>A. VCF-style: chr17-3656729-C-A. GRCh37 (hg19) VCF-style: chr17-3560023-C-A.
Other names: c.615C>A, p.Asp205Glu (NM_001031681.3, NM_001374492.1); c.174C>A, p.Asp58Glu (NM_001374493.1, NM_001374494.1, NM_001374495.1 and 1 more transcripts); short protein forms D205E, D58E.
Identifiers: ClinVar variation 3335958 (VCV003335958.1).

ClinVar aggregate classification (germline): Uncertain significance (1 of 4 stars; one submission).

Submission:

Women's Health and Genetics/Laboratory Corporation of America, LabCorp
Classification: Uncertain significance. Last evaluated: 2024-05-14. Review status: criteria provided, single submitter. Criteria: LabCorp Variant Classification Summary - May 2015. Collection method: clinical testing. Allele origin: germline.
Comment: Variant summary: CTNS c.615C>A (p.Asp205Glu) results in a conservative amino acid change in the encoded protein sequence. Four of five in-silico tools predict a damaging effect of the variant on protein function. The variant was absent in 251346 control chromosomes. The available data on variant occurrences in the general population are insufficient to allow any conclusion about variant significance. To our knowledge, no occurrence of c.615C>A in individuals affected with Cystinosis and no experimental evidence demonstrating its impact on protein function have been reported. A different variant affecting the same codon has been classified as pathogenic by our lab (c.613G>A, Asp205Asn), supporting the critical relevance of codon 205 to CTNS protein function, however additional evidence is needed for this variant to allow conclusions about variant significance. No submitters have cited clinical-significance assessments for this variant to ClinVar. Based on the evidence outlined above, the variant was classified as uncertain significance.